The following is an entry in ClinVar:

ClinVar aggregate classification (germline): Pathogenic (1 of 4 stars; one submission).

Conditions:
Granulomatous disease, chronic, X-linked. Also called: CYTOCHROME b-NEGATIVE GRANULOMATOUS DISEASE, CHRONIC, X-LINKED; GRANULOMATOUS DISEASE, CHRONIC, X-LINKED, SOMATIC MOSAIC. Identifiers: Orphanet 379, MedGen C1844376, MONDO:0010600, OMIM 306400.

Submission:

Labcorp Genetics (formerly Invitae), Labcorp
Classification: Pathogenic for Granulomatous disease, chronic, X-linked. Last evaluated: 2022-04-16. Review status: criteria provided, single submitter. Criteria: Invitae Variant Classification Sherloc (09022015). Collection method: clinical testing. Allele origin: germline.
Comment: For these reasons, this variant has been classified as Pathogenic. This premature translational stop signal has been observed in individual(s) with chronic granulomatous disease (PMID: 14697745). This variant is not present in population databases (gnomAD no frequency). This sequence change creates a premature translational stop signal (p.Trp289*) in the CYBB gene. It is expected to result in an absent or disrupted protein product. Loss-of-function variants in CYBB are known to be pathogenic (PMID: 9585602, 20729109).

Literature cited by the submitters: PubMed 14697745; PubMed 9585602; PubMed 20729109.

NM_000397.4(CYBB):c.866G>A (p.Trp289Ter)

Gene: CYBB (cytochrome b-245 beta chain; plus strand). Cytogenetic location: Xp11.4.
Variant type: single nucleotide variant.
Coding change: c.866G>A on transcript NM_000397.4 (MANE Select); coding-DNA position 866, G replaced by A.
Protein change: p.Trp289Ter; replaces tryptophan 289 with a stop codon.
Molecular consequence: nonsense.
Genome position (GRCh38, 1-based): chrX:37,801,317, G>A. VCF-style: chrX-37801317-G-A. GRCh37 (hg19) VCF-style: chrX-37660570-G-A.
Other names: short protein forms W289*.
Identifiers: ClinVar variation 2126682 (VCV002126682.4), dbSNP rs2519206714, ClinGen allele CA412976919.